The following is an entry in ClinVar:

ClinVar aggregate classification (germline): Conflicting classifications of pathogenicity. Review status: criteria provided, conflicting classifications (1 of 4 stars). 2 submissions from 2 submitters: Uncertain significance (1); Likely benign (1). Last evaluated 2022-07-12.

Conditions:
Intellectual developmental disorder, autosomal recessive 47. Also called: Intellectual disability, autosomal recessive 47. Identifiers: Orphanet 88616, MedGen C4015444, MONDO:0014524, OMIM 616193.
Inborn genetic diseases. Identifiers: MedGen C0950123, MeSH D030342.

Allele frequency attached by ClinVar (database versions not stated): gnomAD exomes 0.00007; 1000 Genomes Project 30x 0.00031; ExAC 0.00005; TOPMed 0.00007; gnomAD 0.00011; 1000 Genomes Project 0.00020.
gnomAD v4.1: 119 of 1,614,074 alleles (0.0074%); highest among the groups gnomAD compares: African/African-American, 0.027%; no homozygotes.

Submissions (2):

Ambry Genetics
Classification: Likely benign for Inborn genetic diseases. Last evaluated: 2022-07-12. Review status: criteria provided, single submitter. Criteria: Ambry Variant Classification Scheme 2023. Collection method: clinical testing. Allele origin: germline.

Baylor Genetics
Classification: Uncertain significance for Intellectual developmental disorder, autosomal recessive 47. Last evaluated: 2018-03-01. Review status: criteria provided, single submitter. Criteria: ACMG Guidelines, 2015. Collection method: clinical testing. Allele origin: paternal. Affected: yes.
Comment: This variant was determined to be of uncertain significance according to ACMG Guidelines, 2015 [PMID:25741868].

NM_020066.5(FMN2):c.2297G>A (p.Arg766His)

Gene: FMN2 (formin 2; plus strand). Cytogenetic location: 1q43.
Variant type: single nucleotide variant.
Coding change: c.2297G>A on transcript NM_020066.5 (MANE Select); coding-DNA position 2297, G replaced by A.
Protein change: p.Arg766His; replaces arginine 766 with histidine.
Molecular consequence: missense variant. On other transcripts: intron variant (1).
Genome position (GRCh38, 1-based): chr1:240,207,109, G>A. VCF-style: chr1-240207109-G-A. GRCh37 (hg19) VCF-style: chr1-240370409-G-A.
Other names: c.2309G>A, p.Arg770His (NM_001305424.2); c.1986+18847G>A (NM_001348094.2); short protein forms R770H, R766H.
Identifiers: ClinVar variation 1033516 (VCV001033516.4), dbSNP rs554313620, ClinGen allele CA1476596.